The following is an entry in ClinVar:

ClinVar aggregate classification (germline): Uncertain significance (1 of 4 stars; one submission).

Allele frequency attached by ClinVar (database versions not stated): gnomAD exomes below 0.00001.
gnomAD v4.1: 1 of 1,613,588 alleles (0.000062%); highest among the groups gnomAD compares: East Asian, 0.0022%; no homozygotes.

Submission:

Labcorp Genetics (formerly Invitae), Labcorp
Classification: Uncertain significance. Last evaluated: 2022-04-12. Review status: criteria provided, single submitter. Criteria: Invitae Variant Classification Sherloc (09022015). Collection method: clinical testing. Allele origin: germline.
Comment: Algorithms developed to predict the effect of sequence changes on RNA splicing suggest that this variant may create or strengthen a splice site. In summary, the available evidence is currently insufficient to determine the role of this variant in disease. Therefore, it has been classified as a Variant of Uncertain Significance. Algorithms developed to predict the effect of missense changes on protein structure and function (SIFT, PolyPhen-2, Align-GVGD) all suggest that this variant is likely to be tolerated. This missense change has been observed in individual(s) with clinical features of XPR1-related conditions (Invitae). This variant is present in population databases (no rsID available, gnomAD 0.006%). This sequence change replaces cysteine, which is neutral and slightly polar, with glycine, which is neutral and non-polar, at codon 188 of the XPR1 protein (p.Cys188Gly).

NM_004736.4(XPR1):c.562T>G (p.Cys188Gly)

Gene: XPR1 (xenotropic and polytropic retrovirus receptor 1; plus strand). Cytogenetic location: 1q25.3.
Variant type: single nucleotide variant.
Coding change: c.562T>G on transcript NM_004736.4 (MANE Select); coding-DNA position 562, T replaced by G.
Protein change: p.Cys188Gly; replaces cysteine 188 with glycine.
Molecular consequence: missense variant. On other transcripts: non-coding transcript variant (1).
Genome position (GRCh38, 1-based): chr1:180,806,176, T>G. VCF-style: chr1-180806176-T-G. GRCh37 (hg19) VCF-style: chr1-180775312-T-G.
Other names: c.562T>G, p.Cys188Gly (NM_001135669.2, NM_001328662.2); short protein forms C188G.
Identifiers: ClinVar variation 1473342 (VCV001473342.8), dbSNP rs1307088954, ClinGen allele CA343843643.